The following is an entry in ClinVar:

ClinVar aggregate classification (germline): Uncertain significance (1 of 4 stars; one submission).

Submission:

Labcorp Genetics (formerly Invitae), Labcorp
Classification: Uncertain significance. Last evaluated: 2025-06-09. Review status: criteria provided, single submitter. Criteria: Invitae Variant Classification Sherloc (09022015). Collection method: clinical testing. Allele origin: germline.
Comment: This sequence change falls in intron 27 of the CLTC gene. It does not directly change the encoded amino acid sequence of the CLTC protein. It affects a nucleotide within the consensus splice site. This variant is not present in population databases (gnomAD no frequency). This variant has not been reported in the literature in individuals affected with CLTC-related conditions. ClinVar contains an entry for this variant (Variation ID: 1365023). Variants that disrupt the consensus splice site are a relatively common cause of aberrant splicing (PMID: 17576681, 9536098). Algorithms developed to predict the effect of sequence changes on RNA splicing suggest that this variant is not likely to affect RNA splicing. In summary, the available evidence is currently insufficient to determine the role of this variant in disease. Therefore, it has been classified as a Variant of Uncertain Significance.

Literature cited by the submitters: PubMed 17576681; PubMed 9536098.

NM_004859.4(CLTC):c.4323+5A>G

Genes: CLTC (clathrin heavy chain; plus strand), LOC126862609 (CDK7 strongly-dependent group 2 enhancer GRCh37_chr17:57760547-57761746; plus strand). Cytogenetic location: 17q23.1.
Variant type: single nucleotide variant.
Coding change: c.4323+5A>G on transcript NM_004859.4 (MANE Select); 5 bases into the intron after coding-DNA position 4323, A replaced by G.
Molecular consequence: intron variant.
Genome position (GRCh38, 1-based): chr17:59,683,761, A>G. VCF-style: chr17-59683761-A-G. GRCh37 (hg19) VCF-style: chr17-57761122-A-G.
Other names: c.4335+5A>G (NM_001288653.2).
Identifiers: ClinVar variation 1365023 (VCV001365023.6), dbSNP rs2143596651, ClinGen allele CA2573154439.